The following is an entry in ClinVar:

ClinVar aggregate classification (germline): Uncertain significance. Review status: criteria provided, multiple submitters, no conflicts (2 of 4 stars). 2 submissions from 2 submitters: Uncertain significance (2). Last evaluated 2023-12-24.

Conditions:
Hereditary cancer-predisposing syndrome. Also called: Neoplastic Syndromes, Hereditary; Hereditary Cancer Syndrome; Hereditary neoplastic syndrome; Tumor predisposition. Identifiers: Orphanet 140162, MedGen C0027672, MeSH D009386, MONDO:0015356.

Submissions (2):

Labcorp Genetics (formerly Invitae), Labcorp
Classification: Uncertain significance. Last evaluated: 2023-12-24. Review status: criteria provided, single submitter. Criteria: Invitae Variant Classification Sherloc (09022015). Collection method: clinical testing. Allele origin: germline.
Comment: This sequence change replaces tyrosine, which is neutral and polar, with cysteine, which is neutral and slightly polar, at codon 81 of the SMARCB1 protein (p.Tyr81Cys). This variant is not present in population databases (gnomAD no frequency). This variant has not been reported in the literature in individuals affected with SMARCB1-related conditions. ClinVar contains an entry for this variant (Variation ID: 1435705). An algorithm developed to predict the effect of missense changes on protein structure and function (PolyPhen-2) suggests that this variant is likely to be tolerated. In summary, the available evidence is currently insufficient to determine the role of this variant in disease. Therefore, it has been classified as a Variant of Uncertain Significance.

Ambry Genetics
Classification: Uncertain significance for Hereditary cancer-predisposing syndrome. Last evaluated: 2022-06-08. Review status: criteria provided, single submitter. Criteria: Ambry Variant Classification Scheme 2023. Collection method: clinical testing. Allele origin: germline.
Comment: The p.Y81C variant (also known as c.242A>G), located in coding exon 3 of the SMARCB1 gene, results from an A to G substitution at nucleotide position 242. The tyrosine at codon 81 is replaced by cysteine, an amino acid with highly dissimilar properties. This amino acid position is highly conserved in available vertebrate species. In addition, the in silico prediction for this alteration is inconclusive. Missense and in-frame variants in SMARCB1 are known to cause neurodevelopmental disorders; however, such associations with rhabdoid tumor predisposition syndrome are exceedingly rare (Kosho T et al. Am J Med Genet C Semin Med Genet. 2014 Sep;166C(3):262-75; Eaton KW et al. Pediatr Blood Cancer. 2011 Jan;56(1):7-15). Since supporting evidence is limited at this time, the clinical significance of this alteration remains unclear.

NM_003073.5(SMARCB1):c.242A>G (p.Tyr81Cys)

Gene: SMARCB1 (SWI/SNF related BAF chromatin remodeling complex subunit B1; plus strand). Cytogenetic location: 22q11.23.
Variant type: single nucleotide variant.
Coding change: c.242A>G on transcript NM_003073.5 (MANE Select); coding-DNA position 242, A replaced by G.
Protein change: p.Tyr81Cys; replaces tyrosine 81 with cysteine.
Molecular consequence: missense variant.
Genome position (GRCh38, 1-based): chr22:23,793,568, A>G. VCF-style: chr22-23793568-A-G. GRCh37 (hg19) VCF-style: chr22-24135755-A-G.
Other names: c.215A>G, p.Tyr72Cys (NM_001007468.3, NM_001317946.2); c.242A>G, p.Tyr81Cys (NM_001362877.2); short protein forms Y81C, Y72C.
Identifiers: ClinVar variation 1435705 (VCV001435705.8), dbSNP rs2145963676, ClinGen allele CA410933620.